The following is an entry in ClinVar:

NM_001206744.2(TPO):c.222_225del (p.Ser75fs)

Gene: TPO (thyroid peroxidase; plus strand). Cytogenetic location: 2p25.3.
Variant type: Deletion.
Coding change: c.222_225del on transcript NM_001206744.2 (MANE Select); coding-DNA positions 222 to 225, 4 bases deleted (GTCT; older notation c.222_225delGTCT).
Protein change: p.Ser75fs; shifts the reading frame from serine 75.
Molecular consequence: frameshift variant.
Genome position (GRCh38, 1-based): chr2:1,433,480-1,433,483, GTCT deleted; deleting any 4 consecutive bases within chr2:1,433,477-1,433,483 gives the same sequence; the c. name uses the placement nearest the transcript's 3' end. VCF-style (leftmost placement, unchanged base first): chr2-1433476-TTCTG-T. GRCh37 (hg19) VCF-style: chr2-1437248-TTCTG-T.
Other names: c.222_225del, p.Ser75fs (NM_175721.3, NM_175722.3, NM_000547.6 and 2 more transcripts); c.222_225delGTCT (NM_000547.6, NM_000547.5); short protein forms S75fs.
Identifiers: ClinVar variation 4845856 (VCV004845856.2).
Genomic context (GRCh38, chr2:1,433,476, plus strand): 5'-ATATCTTCTTTATGTGCCATAGAAACCTCAAGAAAAGAGGAATCCTTTCTCCAGCTCAGC[TTCTG>T]TCTTTTTCCAAACTTCCTGAGCCAACAAGCGGAGTGATTGCCCGAGCAGCAGAGATAATG-3'

ClinVar aggregate classification (germline): Likely pathogenic. Review status: criteria provided, multiple submitters, no conflicts (2 of 4 stars). 2 submissions from 2 submitters: Likely pathogenic (2). Last evaluated 2026-03-31.

Conditions:
Deficiency of iodide peroxidase (TDH2A). Also called: Thyroid dyshormonogenesis 2A; THYROID HORMONOGENESIS, GENETIC DEFECT IN, 2A; THYROID PEROXIDASE DEFICIENCY; HYPOTHYROIDISM, CONGENITAL, DUE TO DYSHORMONOGENESIS, 2A; IODIDE PEROXIDASE DEFICIENCY. Identifiers: Orphanet 95716, MedGen C1291299, MONDO:0010133, OMIM 274500.
TPO-related disorder. Also called: TPO-related condition.

Submissions (2):

PreventionGenetics, part of Exact Sciences
Classification: Likely pathogenic for TPO-related condition. Last evaluated: 2026-03-31. Review status: criteria provided, single submitter. Criteria: ACMG Guidelines, 2015. Collection method: clinical testing. Allele origin: germline.
Comment: The TPO c.222_225delGTCT variant is predicted to result in a frameshift and premature protein termination (p.Ser75Phefs*11). To our knowledge, this variant has not been reported in the literature or in a large population database (gnomAD), indicating this variant is rare. Frameshift variants in TPO are expected to be pathogenic. This variant is interpreted as likely pathogenic.

First Genomix Gene Laboratory, Genetic Diagnostics Department
Classification: Likely pathogenic for Deficiency of iodide peroxidase. Last evaluated: 2025-03-14. Review status: criteria provided, single submitter. Criteria: ACMG Guidelines, 2015. Collection method: clinical testing. Allele origin: germline. Inheritance: Autosomal recessive inheritance. Affected: no. Observed: 1 variant allele.